The following is an entry in ClinVar:

NM_000169.3(GLA):c.41T>C (p.Leu14Pro)

Genes: GLA (galactosidase alpha; minus strand), RPL36A-HNRNPH2 (RPL36A-HNRNPH2 readthrough; plus strand). Cytogenetic location: Xq22.1.
Variant type: single nucleotide variant.
Coding change: c.41T>C on transcript NM_000169.3 (MANE Select); coding-DNA position 41, T replaced by C.
Protein change: p.Leu14Pro; replaces leucine 14 with proline.
Molecular consequence: missense variant. On other transcripts: non-coding transcript variant (3), intron variant (2).
Genome position (GRCh38, 1-based): chrX:101,407,863, A>G on the plus strand (T>C on the coding strand, the complement: GLA is on the minus strand). VCF-style: chrX-101407863-A-G. GRCh37 (hg19) VCF-style: chrX-100662851-A-G.
Other names: c.41T>C, p.Leu14Pro (NM_001406747.1, NM_001406748.1, NM_001406749.1); c.301-4073A>G (NM_001199973.2); c.178-4073A>G (NM_001199974.2); short protein forms L14P.
Identifiers: ClinVar variation 180846 (VCV000180846.14), dbSNP rs730880455, ClinGen allele CA021708.

ClinVar aggregate classification (germline): Likely pathogenic. Review status: criteria provided, multiple submitters, no conflicts (2 of 4 stars). 5 submissions from 5 submitters: Likely pathogenic (5). Last evaluated 2026-09-08.

Conditions:
Fabry disease. Also called: ALPHA-GALACTOSIDASE A DEFICIENCY; ANDERSON-FABRY DISEASE; Fabry's disease; Ceramide trihexosidosis; Angiokeratoma corporis diffusum; CERAMIDE TRIHEXOSIDASE DEFICIENCY. Identifiers: Orphanet 324, MedGen C0002986, MONDO:0010526, OMIM 301500, HP:0001071. Disease mechanism: loss of function, Fabry disease is due to inactivating mutations in the X-linked GLA gene resulting in deficiency of the enzyme Alpha Galactosidase-A..

Submissions (5):

Genomenon, Inc
Classification: Likely pathogenic for Fabry disease. Last evaluated: 2026-09-08. Review status: criteria provided, single submitter. Criteria: Genomenon Sequence Variant Interpretation Standards - Updated. Collection method: curation. Allele origin: germline. Affected: yes.
Comment: GLA p.Leu14Pro (c.41T>C) is a missense variant that changes the amino acid at codon 14 from Leucine to Proline. This variant has been observed in at least one proband with clinical features consistent with Fabry disease (PMID:24020479;12480979;37940383). The variant was found to segregate with disease in at least one affected family (PMID:12480979). At least one functional study has demonstrated a substantial alteration in protein function relative to the wild-type (PMID:27657681). It is absent or not present at a significant frequency in gnomAD. In conclusion, we classify GLA p.Leu14Pro (c.41T>C) as a likely pathogenic variant.

Medical and Scientific Branch, Hong Kong Genome Institute
Classification: Likely pathogenic for Fabry disease. Last evaluated: 2025-12-11. Review status: criteria provided, single submitter. Criteria: ACMG Guidelines, 2015. Collection method: clinical testing. Allele origin: germline. Affected: yes.

Revvity Omics, Revvity
Classification: Likely pathogenic. Last evaluated: 2024-04-24. Review status: criteria provided, single submitter. Criteria: ACMG Guidelines, 2015. Collection method: clinical testing. Allele origin: germline.

Women's Health and Genetics/Laboratory Corporation of America, LabCorp
Classification: Likely pathogenic for Fabry disease. Last evaluated: 2021-05-04. Review status: criteria provided, single submitter. Criteria: LabCorp Variant Classification Summary - May 2015. Collection method: clinical testing. Allele origin: germline.
Comment: Variant summary: GLA c.41T>C (p.Leu14Pro) results in a non-conservative amino acid change in the encoded protein sequence. Four of five in-silico tools predict a damaging effect of the variant on protein function. In addition, nearby variants, A15E, A15G, A15P, L16R, and L16P, has been reported in affected Fabry disease individuals via HGMD, therefore, suggesting the region is important for protein function. The variant was absent in 183408 control chromosomes. c.41T>C has been reported in the literature in individuals from one Chinese family affected with Fabry Disease (Tse_2003) and in at-least one patient in an independent study evaluating the lifetime occurrence of thromboembolic events in a cohort of patients with Fabry Disease (Lenders_2015). The variant has been subseqiently cited by prominent databases (Fabry disease database) and the literature (example, Kuipers_2010). These data indicate that the variant may be associated with disease. At least one publication reports experimental evidence evaluating an impact on protein function. The most pronounced variant effect results in significantly reduced (<1%) alpha galactosidase enzyme activity in hemizyous affected males (example, Tse_2003). One clinical diagnostic laboratory has submitted clinical-significance assessments for this variant to ClinVar after 2014 without evidence for independent evaluation and classified the variant as likely pathogenic. Based on the evidence outlined above, the variant was classified as likely pathogenic.

Eurofins Ntd Llc (ga)
Classification: Likely pathogenic. Last evaluated: 2018-08-21. Review status: criteria provided, single submitter. Criteria: EGL ClinVar v180209 classification definitions. Collection method: clinical testing. Allele origin: germline. Observed: 1 variant allele, 1 hemizygote.

Literature cited by the submitters: PubMed 24020479 (cited by Genomenon, Inc); PubMed 12480979 (cited by 3 submitters); PubMed 37940383 (cited by Genomenon, Inc); PubMed 27657681 (cited by Genomenon, Inc); PubMed 25663229 (cited by Women's Health and Genetics/Laboratory Corporation of America, LabCorp); PubMed 20629180 (cited by Women's Health and Genetics/Laboratory Corporation of America, LabCorp).